The following is an entry in ClinVar:

NM_001197104.2(KMT2A):c.2527T>C (p.Ser843Pro)

Gene: KMT2A (lysine methyltransferase 2A; plus strand). Cytogenetic location: 11q23.3.
Variant type: single nucleotide variant.
Coding change: c.2527T>C on transcript NM_001197104.2 (MANE Select); coding-DNA position 2527, T replaced by C.
Protein change: p.Ser843Pro; replaces serine 843 with proline.
Molecular consequence: missense variant.
Genome position (GRCh38, 1-based): chr11:118,473,686, T>C. VCF-style: chr11-118473686-T-C. GRCh37 (hg19) VCF-style: chr11-118344401-T-C.
Other names: c.2626T>C, p.Ser876Pro (NM_001412597.1); c.2527T>C, p.Ser843Pro (NM_005933.4); short protein forms S843P, S876P.
Identifiers: ClinVar variation 2991858 (VCV002991858.3), dbSNP rs1555036613, ClinGen allele CA382815907.

ClinVar aggregate classification (germline): Uncertain significance (1 of 4 stars; one submission).

gnomAD v4.1: 4 of 1,614,012 alleles (0.00025%); highest among the groups gnomAD compares: Non-Finnish European, 0.00034%; no homozygotes.

Submission:

Labcorp Genetics (formerly Invitae), Labcorp
Classification: Uncertain significance. Last evaluated: 2023-07-03. Review status: criteria provided, single submitter. Criteria: Invitae Variant Classification Sherloc (09022015). Collection method: clinical testing. Allele origin: germline.
Comment: This sequence change replaces serine, which is neutral and polar, with proline, which is neutral and non-polar, at codon 843 of the KMT2A protein (p.Ser843Pro). This variant is not present in population databases (gnomAD no frequency). This variant has not been reported in the literature in individuals affected with KMT2A-related conditions. Advanced modeling of protein sequence and biophysical properties (such as structural, functional, and spatial information, amino acid conservation, physicochemical variation, residue mobility, and thermodynamic stability) performed at Invitae indicates that this missense variant is not expected to disrupt KMT2A protein function. In summary, the available evidence is currently insufficient to determine the role of this variant in disease. Therefore, it has been classified as a Variant of Uncertain Significance.